The following is an entry in ClinVar:

ClinVar aggregate classification (germline): Uncertain significance (1 of 4 stars; one submission).

Conditions:
Myopathy, proximal, and ophthalmoplegia (CMYO6). Also called: CONGENITAL MYOPATHY 6 WITH OPHTHALMOPLEGIA; MYOPATHY WITH CONGENITAL JOINT CONTRACTURES, OPHTHALMOPLEGIA, AND RIMMED VACUOLES; INCLUSION BODY MYOPATHY 3, AUTOSOMAL DOMINANT. Identifiers: Orphanet 363677, Orphanet 79091, MedGen C1854106, MONDO:0011577, OMIM 605637.

Allele frequency attached by ClinVar (database versions not stated): gnomAD exomes below 0.00001; gnomAD 0.00001.
gnomAD v4.1: 2 of 1,614,102 alleles (0.00012%); highest among the groups gnomAD compares: Admixed American, 0.0017%; no homozygotes.

Submission:

Labcorp Genetics (formerly Invitae), Labcorp
Classification: Uncertain significance for Myopathy, proximal, and ophthalmoplegia. Last evaluated: 2022-06-20. Review status: criteria provided, single submitter. Criteria: Invitae Variant Classification Sherloc (09022015). Collection method: clinical testing. Allele origin: germline.
Comment: In summary, the available evidence is currently insufficient to determine the role of this variant in disease. Therefore, it has been classified as a Variant of Uncertain Significance. This sequence change replaces glycine, which is neutral and non-polar, with arginine, which is basic and polar, at codon 1042 of the MYH2 protein (p.Gly1042Arg). Algorithms developed to predict the effect of sequence changes on RNA splicing suggest that this variant may create or strengthen a splice site. This variant is not present in population databases (gnomAD no frequency). This variant has not been reported in the literature in individuals affected with MYH2-related conditions. Algorithms developed to predict the effect of missense changes on protein structure and function (SIFT, PolyPhen-2, Align-GVGD) all suggest that this variant is likely to be disruptive.

NM_017534.6(MYH2):c.3124G>A (p.Gly1042Arg)

Genes: MYH2 (myosin heavy chain 2; minus strand), MYHAS (myosin heavy chain gene cluster antisense RNA; plus strand). Cytogenetic location: 17p13.1.
Variant type: single nucleotide variant.
Coding change: c.3124G>A on transcript NM_017534.6 (MANE Select); coding-DNA position 3124, G replaced by A.
Protein change: p.Gly1042Arg; replaces glycine 1042 with arginine.
Molecular consequence: missense variant.
Genome position (GRCh38, 1-based): chr17:10,529,475, C>T on the plus strand (G>A on the coding strand, the complement: MYH2 is on the minus strand). VCF-style: chr17-10529475-C-T. GRCh37 (hg19) VCF-style: chr17-10432792-C-T.
Other names: c.3124G>A, p.Gly1042Arg (NM_001100112.2); short protein forms G1042R.
Identifiers: ClinVar variation 1357960 (VCV001357960.8), dbSNP rs2073398000, ClinGen allele CA398139242.
Genomic context (GRCh38, chr17:10,529,475, plus strand): 5'-CAAGTTTCCTCTTAGCCCTTTCTAGGTCCATGCGAAGTTTCTTTTCTTGCTCCAAGGACC[C>T]TTCAAGCTAAATATAAATTATGTTGAATCAGAAGGAATGCTTATCTTCCTTTAGAAGAAA-3'
Protein context (NP_060004.3, residues 1032-1052): KLEQQVDDLE[Gly1042Arg]SLEQEKKLRM